The following is an entry in ClinVar:

ClinVar aggregate classification (germline): Conflicting classifications of pathogenicity. Review status: criteria provided, conflicting classifications (1 of 4 stars). 4 submissions from 3 submitters: Uncertain significance (2); Likely benign (1). 1 of the submissions does not count toward it. Last evaluated 2025-11-26.

Conditions:
PRKAR1A-related disorder. Also called: PRKAR1A-related condition.
Acrodysostosis 1 with or without hormone resistance (ACRDYS1). Also called: ACRODYSOSTOSIS 1 WITH HORMONE RESISTANCE; ACRODYSOSTOSIS 1 WITHOUT HORMONE RESISTANCE; ACRODYSOSTOSIS WITH HORMONE RESISTANCE. Identifiers: Orphanet 280651, MedGen C3276228, MONDO:0007044, OMIM 101800.
Carney complex, type 1 (CNC1). Also called: CARNEY MYXOMA-ENDOCRINE COMPLEX; CARNEY COMPLEX, TYPE I. Identifiers: Orphanet 1359, MedGen C2607929, MONDO:0008057, OMIM 160980.

Allele frequency attached by ClinVar (database versions not stated): TOPMed below 0.00001; gnomAD 0.00001.

Submissions (4):

Labcorp Genetics (formerly Invitae), Labcorp
Classification: Likely benign for Carney complex, type 1. Last evaluated: 2025-11-26. Review status: criteria provided, single submitter. Criteria: Invitae Variant Classification Sherloc (09022015). Collection method: clinical testing. Allele origin: germline.

Illumina Laboratory Services, Illumina
Classification: Uncertain significance for Acrodysostosis 1 with or without hormone resistance. Last evaluated: 2018-01-13. Review status: criteria provided, single submitter. Criteria: ICSL Variant Classification Criteria 13 December 2019. Collection method: clinical testing. Allele origin: germline.

Illumina Laboratory Services, Illumina
Classification: Uncertain significance for Carney complex, type 1. Last evaluated: 2018-01-13. Review status: criteria provided, single submitter. Criteria: ICSL Variant Classification Criteria 13 December 2019. Collection method: clinical testing. Allele origin: germline.

PreventionGenetics, part of Exact Sciences
Classification: Likely benign for PRKAR1A-related condition. Last evaluated: 2021-07-19. Review status: no assertion criteria provided. Collection method: clinical testing. Allele origin: germline. Not counted in ClinVar's aggregate classification.
Comment: This variant is classified as likely benign based on ACMG/AMP sequence variant interpretation guidelines (Richards et al. 2015 PMID: 25741868, with internal and published modifications).

NM_002734.5(PRKAR1A):c.-11C>T

Gene: PRKAR1A (protein kinase cAMP-dependent type I regulatory subunit alpha; plus strand). Cytogenetic location: 17q24.2.
Variant type: single nucleotide variant.
Coding change: c.-11C>T on transcript NM_002734.5 (MANE Select); 11 bases upstream of the start codon, C replaced by T.
Molecular consequence: 5 prime UTR variant. On other transcripts: intron variant (3).
Genome position (GRCh38, 1-based): chr17:68,512,544, C>T. VCF-style: chr17-68512544-C-T. GRCh37 (hg19) VCF-style: chr17-66508685-C-T.
Other names: c.-144C>T (NM_001276289.2); c.-42C>T (NM_212472.2); c.-6-2850C>T (NM_001278433.2); c.-140+402C>T (NM_001369389.1); c.-7+402C>T (NM_212471.3).
Identifiers: ClinVar variation 833813 (VCV000833813.16), dbSNP rs1021510770, ClinGen allele CA293324169.